The following is an entry in ClinVar:

NM_001130438.3(SPTAN1):c.7309-7C>T

Gene: SPTAN1 (spectrin alpha, non-erythrocytic 1; plus strand). Cytogenetic location: 9q34.11.
Variant type: single nucleotide variant.
Coding change: c.7309-7C>T on transcript NM_001130438.3 (MANE Select); 7 bases into the intron before coding-DNA position 7309, C replaced by T.
Molecular consequence: intron variant.
Genome position (GRCh38, 1-based): chr9:128,633,202, C>T. VCF-style: chr9-128633202-C-T. GRCh37 (hg19) VCF-style: chr9-131395481-C-T.
Other names: c.7408-7C>T (NM_001375318.1); c.7345-7C>T (NM_001375312.2); c.7309-7C>T (NM_001375311.2); c.7249-7C>T (NM_001375314.2, NM_001363765.2); c.7396-7C>T (NM_001375310.1); c.7372-7C>T (NM_001363759.2); c.7291-7C>T (NM_001375313.1); c.7294-7C>T (NM_003127.4); and 1 more.
Identifiers: ClinVar variation 1109647 (VCV001109647.16), dbSNP rs866813546, ClinGen allele CA200414096.

ClinVar aggregate classification (germline): Likely benign. Review status: criteria provided, multiple submitters, no conflicts (2 of 4 stars). 2 submissions from 2 submitters: Likely benign (2). Last evaluated 2025-11-01.

Conditions:
Early-infantile DEE. Also called: Early infantile epileptic encephalopathy; Ohtahara syndrome; Early infantile epileptic encephalopathy with suppression bursts. Identifiers: Orphanet 1934, MedGen C0393706, MONDO:0800491.

Allele frequency attached by ClinVar (database versions not stated): gnomAD 0.00001; gnomAD exomes 0.00002; TOPMed 0.00002.
gnomAD v4.1: 11 of 1,613,872 alleles (0.00068%); highest among the groups gnomAD compares: Non-Finnish European, 0.00093%; no homozygotes.

Submissions (2):

CeGaT Center for Human Genetics Tuebingen
Classification: Likely benign. Last evaluated: 2025-11-01. Review status: criteria provided, single submitter. Criteria: CeGaT Center For Human Genetics Tuebingen Variant Classification Criteria Version 2. Collection method: clinical testing. Allele origin: germline. Affected: yes. Observed: 1 variant allele.
Comment: SPTAN1: BP4

Labcorp Genetics (formerly Invitae), Labcorp
Classification: Likely benign for Early-infantile DEE. Last evaluated: 2025-09-08. Review status: criteria provided, single submitter. Criteria: Invitae Variant Classification Sherloc (09022015). Collection method: clinical testing. Allele origin: germline.